The following is an entry in ClinVar:

ClinVar aggregate classification (germline): Uncertain significance. Review status: criteria provided, multiple submitters, no conflicts (2 of 4 stars). 2 submissions from 2 submitters: Uncertain significance (2). Last evaluated 2024-03-06.

Conditions:
Familial thoracic aortic aneurysm and aortic dissection (TAAD). Also called: Thoracic aortic aneurysms and dissections. Identifiers: Orphanet 91387, MedGen C4707243, MONDO:0019625.

Allele frequency attached by ClinVar (database versions not stated): gnomAD exomes 0.00001.
gnomAD v4.1: 3 of 1,614,110 alleles (0.00019%); highest among the groups gnomAD compares: East Asian, 0.0022%; no homozygotes.

Submissions (2):

Color Diagnostics, LLC DBA Color Health
Classification: Uncertain significance for Familial thoracic aortic aneurysm and aortic dissection. Last evaluated: 2024-03-06. Review status: criteria provided, single submitter. Criteria: ACMG Guidelines, 2015. Collection method: clinical testing. Allele origin: germline.
Comment: This missense variant replaces isoleucine with methionine at codon 2831 of the FBN1 protein. Computational prediction tool suggests that this variant may have deleterious impact on protein structure and function (internally defined REVEL score threshold >=0.7, PMID: 27666373). Splice site prediction tools suggest that this variant may not impact RNA splicing. To our knowledge, functional studies have not been performed for this variant. This variant has not been reported in individuals affected with cardiovascular disorders in the literature. This variant has not been identified in the general population by the Genome Aggregation Database (gnomAD). The available evidence is insufficient to determine the role of this variant in disease conclusively. Therefore, this variant is classified as a Variant of Uncertain Significance.

Blueprint Genetics
Classification: Uncertain significance. Last evaluated: 2017-06-15. Review status: criteria provided, single submitter. Criteria: ACMG Guidelines, 2015. Collection method: clinical testing. Allele origin: germline.

NM_000138.5(FBN1):c.8493C>G (p.Ile2831Met)

Gene: FBN1 (fibrillin 1; minus strand). Cytogenetic location: 15q21.1.
Variant type: single nucleotide variant.
Coding change: c.8493C>G on transcript NM_000138.5 (MANE Select); coding-DNA position 8493, C replaced by G.
Protein change: p.Ile2831Met; replaces isoleucine 2831 with methionine.
Molecular consequence: missense variant.
Genome position (GRCh38, 1-based): chr15:48,411,113, G>C on the plus strand (C>G on the coding strand, the complement: FBN1 is on the minus strand). VCF-style: chr15-48411113-G-C. GRCh37 (hg19) VCF-style: chr15-48703310-G-C.
Other names: short protein forms I2831M.
Identifiers: ClinVar variation 925385 (VCV000925385.5), dbSNP rs2042857820, ClinGen allele CA392318806.